The following is an entry in ClinVar:

NM_001754.5(RUNX1):c.*195C>T

Gene: RUNX1 (RUNX family transcription factor 1; minus strand). Cytogenetic location: 21q22.12.
Variant type: single nucleotide variant.
Coding change: c.*195C>T on transcript NM_001754.5 (MANE Select); 195 bases downstream of the stop codon, C replaced by T.
Molecular consequence: 3 prime UTR variant.
Genome position (GRCh38, 1-based): chr21:34,791,940, G>A on the plus strand (C>T on the coding strand, the complement: RUNX1 is on the minus strand). VCF-style: chr21-34791940-G-A. GRCh37 (hg19) VCF-style: chr21-36164237-G-A.
Other names: c.*195C>T (NM_001001890.3).
Identifiers: ClinVar variation 898859 (VCV000898859.5), dbSNP rs1464816967, ClinGen allele CA637689285.

ClinVar aggregate classification (germline): Likely benign. Review status: reviewed by expert panel (3 of 4 stars). 2 submissions from 2 submitters: Likely benign (1). 1 of the submissions does not count toward it. Last evaluated 2025-01-15.

Conditions:
Hereditary thrombocytopenia and hematologic cancer predisposition syndrome. Identifiers: Orphanet 71290, MedGen CN281654, MONDO:0011071.
Hereditary thrombocytopenia and hematological cancer predisposition syndrome associated with RUNX1. Also called: PLATELET DISORDER, ASPIRIN-LIKE; RUNX1 Familial Platelet Disorder with Associated Myeloid Malignancies; Familial Platelet Disorder with Propensity to Acute Myelogenous Leukemia; Familial thrombocytopenia with propensity to acute myelogenous leukemia. Identifiers: Orphanet 71290, MedGen C1832388, MeSH C563324, MONDO:0100083, OMIM 601399.

Allele frequency attached by ClinVar (database versions not stated): TOPMed 0.00010; gnomAD exomes 0.00012 and 0.00017; gnomAD 0.00017 and 0.00019.
gnomAD v4.1: 52 of 358,404 alleles (0.015%); highest among the groups gnomAD compares: Non-Finnish European, 0.023%; no homozygotes.

Submissions (2):

ClinGen Myeloid Malignancy Variant Curation Expert Panel
Classification: Likely benign for Hereditary thrombocytopenia and hematologic cancer predisposition syndrome. Last evaluated: 2025-01-15. Review status: reviewed by expert panel. Criteria: ClinGen MyeloMalig ACMG Specifications v2. Collection method: curation. Allele origin: germline. Inheritance: Autosomal dominant inheritance.
Comment: NM_001754.5(RUNX1):c.*195C>T is a 3' UTR variant which has a MAF of 0.0003387 (0.03387%, 23/67904, 23 alleles) in the European (non-finnish) subpopulation of the gnomAD 3.1.2 cohort which is between 0.00015 (0.015%) and 0.0015 (0.15%) (BS1). In summary, this variant meets criteria to be classified as likely benign. ACMG/AMP criteria applied, as specified by the Myeloid Malignancy Variant Curation Expert Panel for RUNX1: BS1.

Illumina Laboratory Services, Illumina
Classification: Uncertain significance for Hereditary thrombocytopenia and hematological cancer predisposition syndrome associated with RUNX1. Last evaluated: 2018-01-13. Review status: criteria provided, single submitter. Criteria: ICSL Variant Classification Criteria 13 December 2019. Collection method: clinical testing. Allele origin: germline. Not counted in ClinVar's aggregate classification.